The following is an entry in ClinVar:

NM_030665.4(RAI1):c.2422G>A (p.Gly808Arg)

Gene: RAI1 (retinoic acid induced 1; plus strand). Cytogenetic location: 17p11.2.
Variant type: single nucleotide variant.
Coding change: c.2422G>A on transcript NM_030665.4 (MANE Select); coding-DNA position 2422, G replaced by A.
Protein change: p.Gly808Arg; replaces glycine 808 with arginine.
Molecular consequence: missense variant.
Genome position (GRCh38, 1-based): chr17:17,795,370, G>A. VCF-style: chr17-17795370-G-A. GRCh37 (hg19) VCF-style: chr17-17698684-G-A.
Other names: short protein forms G808R.
Identifiers: ClinVar variation 196538 (VCV000196538.16), dbSNP rs746952369, ClinGen allele CA243522.

ClinVar aggregate classification (germline): Conflicting classifications of pathogenicity. Review status: criteria provided, conflicting classifications (1 of 4 stars). 4 submissions from 4 submitters: Uncertain significance (1); Benign (2). 1 of the submissions does not count toward it. Last evaluated 2025-12-19.

Conditions:
Inborn genetic diseases. Identifiers: MedGen C0950123, MeSH D030342.
RAI1-related disorder. Also called: RAI1-related condition.

Allele frequency attached by ClinVar (database versions not stated): gnomAD exomes 0.00003 and 0.00006; gnomAD 0.00015; TOPMed 0.00031.
gnomAD v4.1: 64 of 1,593,918 alleles (0.004%); highest among the groups gnomAD compares: Middle Eastern, 0.1%; no homozygotes.

Submissions (4):

Labcorp Genetics (formerly Invitae), Labcorp
Classification: Benign. Last evaluated: 2025-12-19. Review status: criteria provided, single submitter. Criteria: Invitae Variant Classification Sherloc (09022015). Collection method: clinical testing. Allele origin: germline.

Ambry Genetics
Classification: Benign for Inborn genetic diseases. Last evaluated: 2020-05-12. Review status: criteria provided, single submitter. Criteria: Ambry Variant Classification Scheme 2023. Collection method: clinical testing. Allele origin: germline.

Eurofins Ntd Llc (ga)
Classification: Uncertain significance. Last evaluated: 2015-03-06. Review status: criteria provided, single submitter. Criteria: EGL Classification Definitions 2015. Collection method: clinical testing. Allele origin: germline. Observed: 1 variant allele, 1 heterozygote.

PreventionGenetics, part of Exact Sciences
Classification: Likely benign for RAI1-related condition. Last evaluated: 2022-09-07. Review status: no assertion criteria provided. Collection method: clinical testing. Allele origin: germline. Not counted in ClinVar's aggregate classification.
Comment: This variant is classified as likely benign based on ACMG/AMP sequence variant interpretation guidelines (Richards et al. 2015 PMID: 25741868, with internal and published modifications).